The following is an entry in ClinVar:

NM_152296.5(ATP1A3):c.1713C>G (p.Asp571Glu)

Gene: ATP1A3 (ATPase Na+/K+ transporting subunit alpha 3; minus strand). Cytogenetic location: 19q13.2.
Variant type: single nucleotide variant.
Coding change: c.1713C>G on transcript NM_152296.5 (MANE Select); coding-DNA position 1713, C replaced by G.
Protein change: p.Asp571Glu; replaces aspartic acid 571 with glutamic acid.
Molecular consequence: missense variant.
Genome position (GRCh38, 1-based): chr19:41,978,244, G>C on the plus strand (C>G on the coding strand, the complement: ATP1A3 is on the minus strand). VCF-style: chr19-41978244-G-C. GRCh37 (hg19) VCF-style: chr19-42482396-G-C.
Other names: c.1746C>G, p.Asp582Glu (NM_001256213.2); c.1752C>G, p.Asp584Glu (NM_001256214.2); short protein forms D571E, D582E, D584E.
Identifiers: ClinVar variation 4823059 (VCV004823059.4).

ClinVar aggregate classification (germline): Uncertain significance (1 of 4 stars; one submission).

gnomAD v4.1: 2 of 1,614,088 alleles (0.00012%); highest among the groups gnomAD compares: South Asian, 0.0022%; no homozygotes.

Submission:

CeGaT Center for Human Genetics Tuebingen
Classification: Uncertain significance. Last evaluated: 2026-01-01. Review status: criteria provided, single submitter. Criteria: CeGaT Center For Human Genetics Tuebingen Variant Classification Criteria Version 2. Collection method: clinical testing. Allele origin: germline. Affected: yes. Observed: 1 variant allele.
Comment: ATP1A3: PM2